The following is an entry in ClinVar:

NM_032119.4(ADGRV1):c.13082+146C>G

Gene: ADGRV1 (adhesion G protein-coupled receptor V1; plus strand). Cytogenetic location: 5q14.3.
Variant type: single nucleotide variant.
Coding change: c.13082+146C>G on transcript NM_032119.4 (MANE Select); 146 bases into the intron after coding-DNA position 13082, C replaced by G.
Molecular consequence: intron variant.
Genome position (GRCh38, 1-based): chr5:90,779,243, C>G. VCF-style: chr5-90779243-C-G. GRCh37 (hg19) VCF-style: chr5-90075060-C-G.
Identifiers: ClinVar variation 678837 (VCV000678837.1), dbSNP rs2443076, ClinGen allele CA122804333.

ClinVar aggregate classification (germline): Benign (1 of 4 stars; one submission).

Allele frequency attached by ClinVar (database versions not stated): gnomAD 0.19451 and 0.19734; TOPMed 0.20865; 1000 Genomes Project 0.25779; 1000 Genomes Project 30x 0.25984.
gnomAD v4.1: 63,779 of 462,644 alleles (14%); highest among the groups gnomAD compares: African/African-American, 47%; 8,545 homozygotes.

Submission:

GeneDx
Classification: Benign. Last evaluated: 2018-06-14. Review status: criteria provided, single submitter. Criteria: GeneDx Variant Classification (06012015). Collection method: clinical testing. Allele origin: germline. Affected: yes.
Comment: This variant is considered likely benign or benign based on one or more of the following criteria: it is a conservative change, it occurs at a poorly conserved position in the protein, it is predicted to be benign by multiple in silico algorithms, and/or has population frequency not consistent with disease.